The following is an entry in ClinVar:

NM_024741.3(ZNF408):c.2159C>T (p.Thr720Ile)

Gene: ZNF408 (zinc finger protein 408; plus strand). Cytogenetic location: 11p11.2.
Variant type: single nucleotide variant.
Coding change: c.2159C>T on transcript NM_024741.3 (MANE Select); coding-DNA position 2159, C replaced by T.
Protein change: p.Thr720Ile; replaces threonine 720 with isoleucine.
Molecular consequence: missense variant.
Genome position (GRCh38, 1-based): chr11:46,705,859, C>T. VCF-style: chr11-46705859-C-T. GRCh37 (hg19) VCF-style: chr11-46727409-C-T.
Other names: c.2135C>T, p.Thr712Ile (NM_001184751.2); short protein forms T712I, T720I.
Identifiers: ClinVar variation 2464637 (VCV002464637.4), dbSNP rs762068273, ClinGen allele CA5966731.
Genomic context (GRCh38, chr11:46,705,859, plus strand): 5'-TAATCCATAAGGACATGGGCCTCGGCGCCTGGGCAGAGGTGGTGGAGGTGGAGATGGGCA[C>T]CTGACAGCTTTGCCTTTTGCTGACACAGCTCCATAAAGACTCGTGCTTTCTCACTGCTGC-3'
Protein context (NP_079017.1, residues 710-720): WAEVVEVEMG[Thr720Ile]

ClinVar aggregate classification (germline): Uncertain significance. Review status: criteria provided, multiple submitters, no conflicts (2 of 4 stars). 2 submissions from 2 submitters: Uncertain significance (2). Last evaluated 2024-10-21.

Conditions:
Inborn genetic diseases. Identifiers: MedGen C0950123, MeSH D030342.

Allele frequency attached by ClinVar (database versions not stated): gnomAD exomes below 0.00001; ExAC 0.00001.
gnomAD v4.1: 6 of 1,610,176 alleles (0.00037%); highest among the groups gnomAD compares: Middle Eastern, 0.035%; no homozygotes.

Submissions (2):

Labcorp Genetics (formerly Invitae), Labcorp
Classification: Uncertain significance. Last evaluated: 2024-10-21. Review status: criteria provided, single submitter. Criteria: Invitae Variant Classification Sherloc (09022015). Collection method: clinical testing. Allele origin: germline.
Comment: This sequence change replaces threonine, which is neutral and polar, with isoleucine, which is neutral and non-polar, at codon 720 of the ZNF408 protein (p.Thr720Ile). This variant is present in population databases (rs762068273, gnomAD 0.003%). This variant has not been reported in the literature in individuals affected with ZNF408-related conditions. ClinVar contains an entry for this variant (Variation ID: 2464637). An algorithm developed to predict the effect of missense changes on protein structure and function (PolyPhen-2) suggests that this variant is likely to be tolerated. In summary, the available evidence is currently insufficient to determine the role of this variant in disease. Therefore, it has been classified as a Variant of Uncertain Significance.

Ambry Genetics
Classification: Uncertain significance for Inborn genetic diseases. Last evaluated: 2023-03-07. Review status: criteria provided, single submitter. Criteria: Ambry Variant Classification Scheme 2023. Collection method: clinical testing. Allele origin: germline.